The following is an entry in ClinVar:

NM_001244008.2(KIF1A):c.3646G>A (p.Ala1216Thr)

Gene: KIF1A (kinesin family member 1A; minus strand). Cytogenetic location: 2q37.3.
Variant type: single nucleotide variant.
Coding change: c.3646G>A on transcript NM_001244008.2 (MANE Select); coding-DNA position 3646, G replaced by A.
Protein change: p.Ala1216Thr; replaces alanine 1216 with threonine.
Molecular consequence: missense variant.
Genome position (GRCh38, 1-based): chr2:240,741,372, C>T on the plus strand (G>A on the coding strand, the complement: KIF1A is on the minus strand). VCF-style: chr2-240741372-C-T. GRCh37 (hg19) VCF-style: chr2-241680789-C-T.
Other names: c.3370G>A, p.Ala1124Thr (NM_001320705.2, NM_001330289.2, NM_001379638.1); c.3445G>A, p.Ala1149Thr (NM_001330290.2, NM_001379634.1, NM_001379635.1 and 1 more transcripts); c.3721G>A, p.Ala1241Thr (NM_001379631.1); c.3595G>A, p.Ala1199Thr (NM_001379632.1); c.3619G>A, p.Ala1207Thr (NM_001379633.1, NM_001379642.1, NM_001379645.1); c.3343G>A, p.Ala1115Thr (NM_001379636.1, NM_001379639.1, NM_001379641.1 and 5 more transcripts); c.3418G>A, p.Ala1140Thr (NM_001379637.1, NM_001379648.1); c.3340G>A, p.Ala1114Thr (NM_001379640.1); and 1 more; short protein forms A1115T, A1216T, A1124T, A1149T, A1114T, A1140T, A1199T, A1207T.
Identifiers: ClinVar variation 432401 (VCV000432401.17), dbSNP rs368057315, ClinGen allele CA2207710.

ClinVar aggregate classification (germline): Conflicting classifications of pathogenicity. Review status: criteria provided, conflicting classifications (1 of 4 stars). 4 submissions from 4 submitters: Uncertain significance (3); Likely benign (1). Last evaluated 2026-01-28.

Conditions:
KIF1A-related disorder. Also called: KIF1A-related disorders; KIF1A-related condition.
Hereditary spastic paraplegia 30. Identifiers: Orphanet 101010, MedGen C5235139, MONDO:0012476.
Intellectual disability, autosomal dominant 9 (NESCAVS). Also called: NESCAV SYNDROME; KIF1A-Related Neurodevelopmental Disorder. Identifiers: Orphanet 662367, MedGen C5393830, MONDO:0013656, OMIM 614255.
Neuropathy, hereditary sensory, type 2C. Also called: Hereditary sensory and autonomic neuropathy type IIC; KIF1A-Related HSAN2 (HSAN2C). Identifiers: Orphanet 970, MedGen C3280168, MONDO:0013634, OMIM 614213.

Allele frequency attached by ClinVar (database versions not stated): ESP Exome Variant Server 0.00008; gnomAD exomes 0.00008; ExAC 0.00011; gnomAD 0.00011; TOPMed 0.00012.
gnomAD v4.1: 120 of 1,569,532 alleles (0.0076%); highest among the groups gnomAD compares: Non-Finnish European, 0.0091%; no homozygotes.

Submissions (4):

Labcorp Genetics (formerly Invitae), Labcorp
Classification: Likely benign for Hereditary spastic paraplegia 30; Neuropathy, hereditary sensory, type 2C; Intellectual disability, autosomal dominant 9. Last evaluated: 2026-01-28. Review status: criteria provided, single submitter. Criteria: Invitae Variant Classification Sherloc (09022015). Collection method: clinical testing. Allele origin: germline.

PreventionGenetics, part of Exact Sciences
Classification: Uncertain significance for KIF1A-related condition. Last evaluated: 2025-10-15. Review status: criteria provided, single submitter. Criteria: ACMG Guidelines, 2015. Collection method: clinical testing. Allele origin: germline.
Comment: The KIF1A c.3646G>A variant is predicted to result in the amino acid substitution p.Ala1216Thr. To our knowledge, this variant has not been reported in the literature. This variant is reported in 0.013% of alleles in individuals of European (non-Finnish) descent in gnomAD. At this time, the clinical significance of this variant is uncertain due to the absence of conclusive functional and genetic evidence.

Blueprint Genetics
Classification: Uncertain significance. Last evaluated: 2024-05-10. Review status: criteria provided, single submitter. Criteria: ACMG Guidelines, 2015. Collection method: clinical testing. Allele origin: germline.

GeneDx
Classification: Uncertain significance. Last evaluated: 2022-10-17. Review status: criteria provided, single submitter. Criteria: GeneDx Variant Classification Process June 2021. Collection method: clinical testing. Allele origin: germline. Affected: yes.
Comment: In silico analysis supports that this missense variant has a deleterious effect on protein structure/function; Has not been previously published as pathogenic or benign to our knowledge